The following is an entry in ClinVar:

NM_003126.4(SPTA1):c.790G>C (p.Ala264Pro)

Gene: SPTA1 (spectrin alpha, erythrocytic 1; minus strand). Cytogenetic location: 1q23.1.
Variant type: single nucleotide variant.
Coding change: c.790G>C on transcript NM_003126.4 (MANE Select); coding-DNA position 790, G replaced by C.
Protein change: p.Ala264Pro; replaces alanine 264 with proline.
Molecular consequence: missense variant.
Genome position (GRCh38, 1-based): chr1:158,678,423, C>G on the plus strand (G>C on the coding strand, the complement: SPTA1 is on the minus strand). VCF-style: chr1-158678423-C-G. GRCh37 (hg19) VCF-style: chr1-158648213-C-G.
Other names: p.Ala264Pro; short protein forms A264P.
Identifiers: ClinVar variation 2682673 (VCV002682673.4), dbSNP rs758807774, ClinGen allele CA1184036.

ClinVar aggregate classification (germline): Conflicting classifications of pathogenicity. Review status: criteria provided, conflicting classifications (1 of 4 stars). 3 submissions from 3 submitters: Uncertain significance (2); Likely benign (1). Last evaluated 2025-07-30.

Allele frequency attached by ClinVar (database versions not stated): gnomAD 0.00003; TOPMed 0.00004.

Submissions (3):

Labcorp Genetics (formerly Invitae), Labcorp
Classification: Likely benign. Last evaluated: 2025-07-30. Review status: criteria provided, single submitter. Criteria: Invitae Variant Classification Sherloc (09022015). Collection method: clinical testing. Allele origin: germline.

ARUP Laboratories, Molecular Genetics and Genomics, ARUP Laboratories
Classification: Uncertain significance. Last evaluated: 2023-09-08. Review status: criteria provided, single submitter. Criteria: ARUP Molecular Germline Variant Investigation Process 2024. Collection method: clinical testing. Allele origin: germline.

Mayo Clinic Laboratories, Mayo Clinic
Classification: Uncertain significance. Last evaluated: 2022-12-30. Review status: criteria provided, single submitter. Criteria: ACMG Guidelines, 2015. Collection method: clinical testing. Allele origin: germline. Observed: 1 variant allele.
Comment: PM2